The following is an entry in ClinVar:

ClinVar aggregate classification (germline): Uncertain significance (1 of 4 stars; one submission).

Conditions:
Cardiovascular phenotype. Identifiers: MedGen CN230736.

gnomAD v4.1: 6 of 1,594,144 alleles (0.00038%); highest among the groups gnomAD compares: Admixed American, 0.0053%; no homozygotes.

Submission:

Ambry Genetics
Classification: Uncertain significance for Cardiovascular phenotype. Last evaluated: 2025-07-28. Review status: criteria provided, single submitter. Criteria: Ambry Variant Classification Scheme 2023. Collection method: clinical testing. Allele origin: germline.
Comment: The p.E348K variant (also known as c.1042G>A), located in coding exon 2 of the TNXB gene, results from a G to A substitution at nucleotide position 1042. The glutamic acid at codon 348 is replaced by lysine, an amino acid with similar properties. This amino acid position is conserved. In addition, this alteration is predicted to be tolerated by in silico analysis. Based on the available evidence, the clinical significance of this variant remains unclear.

NM_001365276.2(TNXB):c.1042G>A (p.Glu348Lys)

Gene: TNXB (tenascin XB; minus strand). Cytogenetic location: 6p21.33.
Variant type: single nucleotide variant.
Coding change: c.1042G>A on transcript NM_001365276.2 (MANE Select); coding-DNA position 1042, G replaced by A.
Protein change: p.Glu348Lys; replaces glutamic acid 348 with lysine.
Molecular consequence: missense variant.
Genome position (GRCh38, 1-based): chr6:32,096,811, C>T on the plus strand (G>A on the coding strand, the complement: TNXB is on the minus strand). VCF-style: chr6-32096811-C-T. GRCh37 (hg19) VCF-style: chr6-32064588-C-T.
Other names: c.1042G>A, p.Glu348Lys (NM_001428335.1, NM_019105.8); short protein forms E348K.
Identifiers: ClinVar variation 4188703 (VCV004188703.1).